The following is an entry in ClinVar:

NM_001127671.2(LIFR):c.1964dup (p.Cys655fs)

Gene: LIFR (LIF receptor subunit alpha; minus strand). Cytogenetic location: 5p13.1.
Variant type: Duplication.
Coding change: c.1964dup on transcript NM_001127671.2 (MANE Select); coding-DNA position 1964, one base duplicated (G; older notation c.1964dupG).
Protein change: p.Cys655fs; shifts the reading frame from cysteine 655.
Molecular consequence: frameshift variant.
Genome position (GRCh38, 1-based): chr5:38,493,707, C duplicated on the plus strand (G on the coding strand, the reverse complement: LIFR is on the minus strand). VCF-style (leftmost placement, unchanged base first): chr5-38493706-G-GC. GRCh37 (hg19) VCF-style: chr5-38493808-G-GC.
Other names: c.1964dup, p.Cys655fs (NM_001364297.2, NM_001364298.2, NM_002310.6); short protein forms C655fs.
Identifiers: ClinVar variation 4760615 (VCV004760615.1).

ClinVar aggregate classification (germline): Pathogenic (1 of 4 stars; one submission).

Submission:

Labcorp Genetics (formerly Invitae), Labcorp
Classification: Pathogenic. Last evaluated: 2025-03-08. Review status: criteria provided, single submitter. Criteria: Invitae Variant Classification Sherloc (09022015). Collection method: clinical testing. Allele origin: germline.
Comment: This sequence change creates a premature translational stop signal (p.Cys655Trpfs*6) in the LIFR gene. It is expected to result in an absent or disrupted protein product. Loss-of-function variants in LIFR are known to be pathogenic (PMID: 14740318). This variant is not present in population databases (gnomAD no frequency). This variant has not been reported in the literature in individuals affected with LIFR-related conditions. Algorithms developed to predict the effect of sequence changes on RNA splicing suggest that this variant may disrupt the consensus splice site. For these reasons, this variant has been classified as Pathogenic.

Literature cited by the submitters: PubMed 14740318.